The following is an entry in ClinVar:

ClinVar aggregate classification (germline): Uncertain significance (1 of 4 stars; one submission).

Conditions:
Dilated cardiomyopathy 1DD (CMD1DD). Identifiers: Orphanet 154, MedGen C2750995, MONDO:0013168, OMIM 613172.

Allele frequency attached by ClinVar (database versions not stated): gnomAD 0.00001; gnomAD exomes 0.00001; TOPMed 0.00001.
gnomAD v4.1: 7 of 1,551,266 alleles (0.00045%); highest among the groups gnomAD compares: Non-Finnish European, 0.00061%; 1 homozygote.

Submission:

Labcorp Genetics (formerly Invitae), Labcorp
Classification: Uncertain significance for Dilated cardiomyopathy 1DD. Last evaluated: 2024-08-12. Review status: criteria provided, single submitter. Criteria: Invitae Variant Classification Sherloc (09022015). Collection method: clinical testing. Allele origin: germline.
Comment: This sequence change replaces glutamic acid, which is acidic and polar, with valine, which is neutral and non-polar, at codon 892 of the RBM20 protein (p.Glu892Val). This variant is present in population databases (no rsID available, gnomAD 0.002%). This variant has not been reported in the literature in individuals affected with RBM20-related conditions. ClinVar contains an entry for this variant (Variation ID: 1957400). Advanced modeling of protein sequence and biophysical properties (such as structural, functional, and spatial information, amino acid conservation, physicochemical variation, residue mobility, and thermodynamic stability) performed at Invitae indicates that this missense variant is not expected to disrupt RBM20 protein function with a negative predictive value of 95%. In summary, the available evidence is currently insufficient to determine the role of this variant in disease. Therefore, it has been classified as a Variant of Uncertain Significance.

NM_001134363.3(RBM20):c.2675A>T (p.Glu892Val)

Gene: RBM20 (RNA binding motif protein 20; plus strand). Cytogenetic location: 10q25.2.
Variant type: single nucleotide variant.
Coding change: c.2675A>T on transcript NM_001134363.3 (MANE Select); coding-DNA position 2675, A replaced by T.
Protein change: p.Glu892Val; replaces glutamic acid 892 with valine.
Molecular consequence: missense variant.
Genome position (GRCh38, 1-based): chr10:110,821,294, A>T. VCF-style: chr10-110821294-A-T. GRCh37 (hg19) VCF-style: chr10-112581052-A-T.
Other names: short protein forms E892V.
Identifiers: ClinVar variation 1957400 (VCV001957400.5), dbSNP rs907302447, ClinGen allele CA213229272.
Genomic context (GRCh38, chr10:110,821,294, plus strand): 5'-TCTCAACCACCCTCTGACCTCCATTCTGCATTTTTGTACAGGAACAAGATTGGGAGAGTG[A>T]AAGTGAGGCAGAGGGGGAGAGCTGGTATCCCACTAACATGGAGGAGCTGGTGACAGTGGA-3'
Protein context (NP_001127835.2, residues 882-902): RTKKEQDWES[Glu892Val]SEAEGESWYP